The following is an entry in ClinVar:

NM_022835.3(PLEKHG2):c.620C>T (p.Ser207Leu)

Gene: PLEKHG2 (pleckstrin homology and RhoGEF domain containing G2; plus strand). Cytogenetic location: 19q13.2.
Variant type: single nucleotide variant.
Coding change: c.620C>T on transcript NM_022835.3 (MANE Select); coding-DNA position 620, C replaced by T.
Protein change: p.Ser207Leu; replaces serine 207 with leucine.
Molecular consequence: missense variant.
Genome position (GRCh38, 1-based): chr19:39,416,876, C>T. VCF-style: chr19-39416876-C-T. GRCh37 (hg19) VCF-style: chr19-39907516-C-T.
Other names: c.443C>T, p.Ser148Leu (NM_001351693.2); c.620C>T, p.Ser207Leu (NM_001351694.2); c.620C>T (NM_022835.2); short protein forms S148L, S207L.
Identifiers: ClinVar variation 1948024 (VCV001948024.6), dbSNP rs566214167, ClinGen allele CA9429192.

ClinVar aggregate classification (germline): Uncertain significance. Review status: criteria provided, multiple submitters, no conflicts (2 of 4 stars). 2 submissions from 2 submitters: Uncertain significance (2). Last evaluated 2024-10-08.

gnomAD v4.1: 10 of 1,610,736 alleles (0.00062%); highest among the groups gnomAD compares: Admixed American, 0.0017%; no homozygotes.

Submissions (2):

Ambry Genetics
Classification: Uncertain significance. Last evaluated: 2024-10-08. Review status: criteria provided, single submitter. Criteria: Ambry Variant Classification Scheme 2023. Collection method: clinical testing. Allele origin: germline.

Labcorp Genetics (formerly Invitae), Labcorp
Classification: Uncertain significance. Last evaluated: 2023-07-07. Review status: criteria provided, single submitter. Criteria: Invitae Variant Classification Sherloc (09022015). Collection method: clinical testing. Allele origin: germline.
Comment: An algorithm developed to predict the effect of missense changes on protein structure and function (PolyPhen-2) suggests that this variant is likely to be disruptive. This sequence change replaces serine, which is neutral and polar, with leucine, which is neutral and non-polar, at codon 207 of the PLEKHG2 protein (p.Ser207Leu). This variant is present in population databases (rs566214167, gnomAD 0.006%). This variant has not been reported in the literature in individuals affected with PLEKHG2-related conditions. ClinVar contains an entry for this variant (Variation ID: 1948024). In summary, the available evidence is currently insufficient to determine the role of this variant in disease. Therefore, it has been classified as a Variant of Uncertain Significance.